The following is an entry in ClinVar:

ClinVar aggregate classification (germline): Uncertain significance (1 of 4 stars; one submission).

Submission:

Labcorp Genetics (formerly Invitae), Labcorp
Classification: Uncertain significance. Last evaluated: 2025-12-21. Review status: criteria provided, single submitter. Criteria: Invitae Variant Classification Sherloc (09022015). Collection method: clinical testing. Allele origin: germline.
Comment: This sequence change falls in intron 10 of the ZCCHC8 gene. It does not directly change the encoded amino acid sequence of the ZCCHC8 protein. This variant is not present in population databases (gnomAD no frequency). This variant has not been reported in the literature in individuals affected with ZCCHC8-related conditions. ClinVar contains an entry for this variant (Variation ID: 1903430). Algorithms developed to predict the effect of sequence changes on RNA splicing suggest that this variant may disrupt the consensus splice site. In summary, the available evidence is currently insufficient to determine the role of this variant in disease. Therefore, it has been classified as a Variant of Uncertain Significance.

NM_017612.5(ZCCHC8):c.1019-4A>G

Gene: ZCCHC8 (zinc finger CCHC-type containing 8; minus strand). Cytogenetic location: 12q24.31.
Variant type: single nucleotide variant.
Coding change: c.1019-4A>G on transcript NM_017612.5 (MANE Select); 4 bases into the intron before coding-DNA position 1019, A replaced by G.
Molecular consequence: intron variant.
Genome position (GRCh38, 1-based): chr12:122,480,315, T>C on the plus strand (A>G on the coding strand, the complement: ZCCHC8 is on the minus strand). VCF-style: chr12-122480315-T-C. GRCh37 (hg19) VCF-style: chr12-122964862-T-C.
Other names: c.305-4A>G (NM_001350938.2, NM_001350937.2); c.788-4A>G (NM_001350935.2); c.722-4A>G (NM_001350936.2).
Identifiers: ClinVar variation 1903430 (VCV001903430.5), dbSNP rs2547201485, ClinGen allele CA2580085929.